The following is an entry in ClinVar:

NM_020754.4(ARHGAP31):c.53C>T (p.Ala18Val)

Gene: ARHGAP31 (Rho GTPase activating protein 31; plus strand). Cytogenetic location: 3q13.32.
Variant type: single nucleotide variant.
Coding change: c.53C>T on transcript NM_020754.4 (MANE Select); coding-DNA position 53, C replaced by T.
Protein change: p.Ala18Val; replaces alanine 18 with valine.
Molecular consequence: missense variant.
Genome position (GRCh38, 1-based): chr3:119,294,957, C>T. VCF-style: chr3-119294957-C-T. GRCh37 (hg19) VCF-style: chr3-119013804-C-T.
Other names: c.53C>T (NM_020754.2); short protein forms A18V.
Identifiers: ClinVar variation 1911483 (VCV001911483.6), dbSNP rs1040286577, ClinGen allele CA82387689.

ClinVar aggregate classification (germline): Uncertain significance. Review status: criteria provided, multiple submitters, no conflicts (2 of 4 stars). 2 submissions from 2 submitters: Uncertain significance (2). Last evaluated 2025-06-07.

Conditions:
Inborn genetic diseases. Identifiers: MedGen C0950123, MeSH D030342.

Allele frequency attached by ClinVar (database versions not stated): gnomAD exomes below 0.00001; TOPMed 0.00001.
gnomAD v4.1: 4 of 1,614,080 alleles (0.00025%); highest among the groups gnomAD compares: Admixed American, 0.005%; no homozygotes.

Submissions (2):

Ambry Genetics
Classification: Uncertain significance for Inborn genetic diseases. Last evaluated: 2025-06-07. Review status: criteria provided, single submitter. Criteria: Ambry Variant Classification Scheme 2023. Collection method: clinical testing. Allele origin: germline.

Labcorp Genetics (formerly Invitae), Labcorp
Classification: Uncertain significance. Last evaluated: 2025-04-22. Review status: criteria provided, single submitter. Criteria: Invitae Variant Classification Sherloc (09022015). Collection method: clinical testing. Allele origin: germline.
Comment: This sequence change replaces alanine, which is neutral and non-polar, with valine, which is neutral and non-polar, at codon 18 of the ARHGAP31 protein (p.Ala18Val). This variant is present in population databases (no rsID available, gnomAD 0.009%). This variant has not been reported in the literature in individuals affected with ARHGAP31-related conditions. ClinVar contains an entry for this variant (Variation ID: 1911483). An algorithm developed to predict the effect of missense changes on protein structure and function (PolyPhen-2) suggests that this variant is likely to be disruptive. In summary, the available evidence is currently insufficient to determine the role of this variant in disease. Therefore, it has been classified as a Variant of Uncertain Significance.